The following is an entry in ClinVar:

NM_170606.3(KMT2C):c.6604C>A (p.Pro2202Thr)

Gene: KMT2C (lysine methyltransferase 2C; minus strand). Cytogenetic location: 7q36.1.
Variant type: single nucleotide variant.
Coding change: c.6604C>A on transcript NM_170606.3 (MANE Select); coding-DNA position 6604, C replaced by A.
Protein change: p.Pro2202Thr; replaces proline 2202 with threonine.
Molecular consequence: missense variant.
Genome position (GRCh38, 1-based): chr7:152,181,256, G>T on the plus strand (C>A on the coding strand, the complement: KMT2C is on the minus strand). VCF-style: chr7-152181256-G-T. GRCh37 (hg19) VCF-style: chr7-151878341-G-T.
Other names: short protein forms P2202T.
Identifiers: ClinVar variation 1342540 (VCV001342540.9), dbSNP rs760297553, ClinGen allele CA4580046.

ClinVar aggregate classification (germline): Conflicting classifications of pathogenicity. Review status: criteria provided, conflicting classifications (1 of 4 stars). 2 submissions from 2 submitters: Uncertain significance (1); Benign (1). Last evaluated 2023-07-07.

Conditions:
Kleefstra syndrome 2 (KLEFS2). Identifiers: MedGen C4540395, MONDO:0054701, OMIM 617768.

Allele frequency attached by ClinVar (database versions not stated): ExAC 0.00002; gnomAD 0.00002 and 0.00003; TOPMed 0.00003.
gnomAD v4.1: 16 of 1,613,916 alleles (0.00099%); highest among the groups gnomAD compares: African/African-American, 0.02%; no homozygotes.

Submissions (2):

Labcorp Genetics (formerly Invitae), Labcorp
Classification: Benign. Last evaluated: 2023-07-07. Review status: criteria provided, single submitter. Criteria: Invitae Variant Classification Sherloc (09022015). Collection method: clinical testing. Allele origin: germline.

New York Genome Center
Classification: Uncertain significance for Kleefstra syndrome 2. Last evaluated: 2021-04-09. Review status: criteria provided, single submitter. Criteria: NYGC Assertion Criteria 2020. Collection method: clinical testing. Allele origin: germline. Observed: 1 heterozygote. Study: CSER-NYCKidSeq.
Comment: The c.6604C>A (p.Pro2202Thr) variant identified in the KMT2C gene substitutes a conserved Proline for Threonine at amino acid 2202/4912 (exon 36/59). This variant is found with low frequency in gnomAD(v3.1.1) (3 heterozygotes, 0 homozygotes; allele frequency: 1.97e-5) suggesting it is not a common benign variant in the populations represented in that database. In silico algorithms do not agree on the effect of this variant, as it is predicted both Damaging (SIFT; score:0.001) and Benign (REVEL; score: 0.503) to the function of the canonical transcript. This variant is absent from ClinVar and to our current knowledge has not been reported in affected individuals in the literature. The p.Pro2202 residue is not within a mapped domain of KMT2C (UniProtKB:Q8NEZ4). Given the lack of compelling evidence for its pathogenicity, the c.6604C>A (p.Pro2202Thr) variant identified in the KMT2C gene is reported as a Variant of Uncertain Significance.